The following is an entry in ClinVar:

NM_003742.4(ABCB11):c.1709C>T (p.Ala570Val)

Gene: ABCB11 (ATP binding cassette subfamily B member 11; minus strand). Cytogenetic location: 2q31.1.
Variant type: single nucleotide variant.
Coding change: c.1709C>T on transcript NM_003742.4 (MANE Select); coding-DNA position 1709, C replaced by T.
Protein change: p.Ala570Val; replaces alanine 570 with valine.
Molecular consequence: missense variant.
Genome position (GRCh38, 1-based): chr2:168,970,145, G>A on the plus strand (C>T on the coding strand, the complement: ABCB11 is on the minus strand). VCF-style: chr2-168970145-G-A. GRCh37 (hg19) VCF-style: chr2-169826655-G-A.
Other names: NM_003742.4(ABCB11):c.1709C>T; p.Ala570Val; c.1709C>T (NM_003742.2); short protein forms A570V.
Identifiers: ClinVar variation 2680875 (VCV002680875.5), dbSNP rs2545383308, ClinGen allele CA349113981.

ClinVar aggregate classification (germline): Likely pathogenic. Review status: criteria provided, multiple submitters, no conflicts (2 of 4 stars). 5 submissions from 5 submitters: Likely pathogenic (5). Last evaluated 2026-04-14.

Conditions:
Familial intrahepatic cholestasis. Identifiers: Orphanet 284385, MedGen CN296401, MONDO:0017290.
Progressive familial intrahepatic cholestasis type 2. Identifiers: Orphanet 79304, MedGen C3489789, MONDO:0011156, OMIM 601847.
ABCB11-related disorder. Also called: ABCB11-related condition.
Benign recurrent intrahepatic cholestasis type 2 (BRIC2). Also called: Recurrent familial intrahepatic cholestasis 2. Identifiers: Orphanet 65682, Orphanet 99961, MedGen C2608083, MONDO:0011559, OMIM 605479.

Allele frequency attached by ClinVar (database versions not stated): gnomAD exomes below 0.00001.
gnomAD v4.1: 1 of 1,612,916 alleles (0.000062%); highest among the groups gnomAD compares: Non-Finnish European, 0.000085%; no homozygotes.

Submissions (5):

Genomenon, Inc
Classification: Likely pathogenic for Familial intrahepatic cholestasis. Last evaluated: 2026-04-14. Review status: criteria provided, single submitter. Criteria: Genomenon Sequence Variant Interpretation Standards - Updated. Collection method: curation. Allele origin: germline. Affected: yes.
Comment: ABCB11 p.Ala570Val (c.1709C>T) is a missense variant that changes the amino acid at residue 570 from Alanine to Valine. This variant has been observed in at least one proband with an ABCB11-related disorder (PMID:38341604;34016879;26678486;28733223). The presence of pathogenic or likely pathogenic missense variant(s) at the same amino acid position indicates that this residue is likely important for protein function. It is absent or not present at a significant frequency in gnomAD. In silico models predict that this variant is possibly or probably damaging. In conclusion, we classify ABCB11 p.Ala570Val (c.1709C>T) as a likely pathogenic variant.

Natera, Inc.
Classification: Likely pathogenic for Progressive familial intrahepatic cholestasis type 2. Last evaluated: 2026-01-28. Review status: criteria provided, single submitter. Criteria: Natera Variant Classification Schema (03/2026). Collection method: clinical testing. Allele origin: germline.
Comment: The c.1709C>T variant in ABCB11 is a missense variant predicted to cause substitution of alanine to valine at amino acid 570. This variant is rare in the general population with a frequency below the threshold expected for the associated phenotype(s). This variant has been observed in one or more individuals affected with the associated recessive disease, as either homozygous or compound heterozygous with a second variant (PMID: 34016879, 26678486). A different variant at the same position has been determined to be Pathogenic or Likely Pathogenic. Computational prediction algorithms indicate this variant is likely to affect gene or protein function. Given the available evidence, this variant is classified as Likely Pathogenic.

Broad Center for Mendelian Genomics, Broad Institute of MIT and Harvard
Classification: Likely pathogenic for Progressive familial intrahepatic cholestasis type 2. Last evaluated: 2025-01-27. Review status: criteria provided, single submitter. Criteria: ACMG Guidelines, 2015. Collection method: curation. Allele origin: germline. Inheritance: Autosomal recessive inheritance.
Comment: The p.Ala570Val variant in ABCB11 has been reported in four individuals with BSEP deficiency (PMID: 26678486, 34016879, 28733223, 26858187), and has been identified in 0.00008% (1/1179312) of European (non-Finnish) chromosomes by the Genome Aggregation Database (gnomAD). Although this variant has been seen in the general population in a heterozygous state, its frequency is low enough to be consistent with a recessive carrier frequency. This variant has also been reported in ClinVar (Variation ID: 2680875) and has been interpreted as likely pathogenic by Baylor Genetics. Of the four affected individuals, one was a homozygote, which increases the likelihood that the p.Ala570Val variant is pathogenic (PMID: 26678486). Computational prediction tools and conservation analyses suggest that this variant may impact the protein, though this information is not predictive enough to determine pathogenicity. One additional pathogenic variant, resulting in a different amino acid change at the same position, p.Ala570Thr, has been reported in association with disease in ClinVar, slightly supporting that a change at this position may not be tolerated (Variation ID: 288100). In summary, although additional studies are required to fully establish its clinical significance, this variant is likely pathogenic for autosomal recessive BSEP deficiency. ACMG/AMP Criteria applied: PP3_moderate, PM2_supporting, PM3_supporting, PM5 (Richards 2015).

PreventionGenetics, part of Exact Sciences
Classification: Likely pathogenic for ABCB11-related condition. Last evaluated: 2024-12-18. Review status: criteria provided, single submitter. Criteria: ACMG Guidelines, 2015. Collection method: clinical testing. Allele origin: germline.
Comment: The ABCB11 c.1709C>T variant is predicted to result in the amino acid substitution p.Ala570Val. This variant has been reported in the compound heterozygous state in individuals with cholestasis (Giovannoni et al. 2015. PubMed ID: 26678486; Dröge et al. 2017. PubMed ID: 28733223; Table S3, Hertel et al. 2021. PubMed ID: 34016879; Kondou et al. 2024. PubMed ID: 38341604). This variant is absent in a large population database (gnomAD), indicating this variant is rare. This variant is interpreted as likely pathogenic.

Baylor Genetics
Classification: Likely pathogenic for Benign recurrent intrahepatic cholestasis type 2. Last evaluated: 2023-01-10. Review status: criteria provided, single submitter. Criteria: ACMG Guidelines, 2015. Collection method: clinical testing. Allele origin: unknown.

Literature cited by the submitters: PubMed 38341604 (cited by Genomenon, Inc); PubMed 34016879 (cited by Genomenon, Inc and Natera, Inc.); PubMed 26678486 (cited by Genomenon, Inc and Natera, Inc.); PubMed 28733223 (cited by Genomenon, Inc).